The following is an entry in ClinVar:

ClinVar aggregate classification (germline): Uncertain significance. Review status: criteria provided, multiple submitters, no conflicts (2 of 4 stars). 2 submissions from 2 submitters: Uncertain significance (2). Last evaluated 2025-03-03.

Conditions:
Primary ciliary dyskinesia. Also called: Ciliary dyskinesia. Identifiers: Orphanet 244, MedGen C0008780, MONDO:0016575, HP:0012265.

Allele frequency attached by ClinVar (database versions not stated): gnomAD exomes below 0.00001.
gnomAD v4.1: 2 of 1,613,914 alleles (0.00012%); highest among the groups gnomAD compares: African/African-American, 0.0027%; no homozygotes.

Submissions (2):

Labcorp Genetics (formerly Invitae), Labcorp
Classification: Uncertain significance for Primary ciliary dyskinesia. Last evaluated: 2025-03-03. Review status: criteria provided, single submitter. Criteria: Invitae Variant Classification Sherloc (09022015). Collection method: clinical testing. Allele origin: germline.
Comment: This sequence change replaces tyrosine, which is neutral and polar, with histidine, which is basic and polar, at codon 2353 of the DNAH11 protein (p.Tyr2353His). This variant is not present in population databases (gnomAD no frequency). This variant has not been reported in the literature in individuals affected with DNAH11-related conditions. ClinVar contains an entry for this variant (Variation ID: 1756905). Invitae Evidence Modeling of protein sequence and biophysical properties (such as structural, functional, and spatial information, amino acid conservation, physicochemical variation, residue mobility, and thermodynamic stability) indicates that this missense variant is not expected to disrupt DNAH11 protein function with a negative predictive value of 95%. In summary, the available evidence is currently insufficient to determine the role of this variant in disease. Therefore, it has been classified as a Variant of Uncertain Significance.

Ambry Genetics
Classification: Uncertain significance for Primary ciliary dyskinesia. Last evaluated: 2020-01-17. Review status: criteria provided, single submitter. Criteria: Ambry Variant Classification Scheme 2023. Collection method: clinical testing. Allele origin: germline.
Comment: The p.Y2353H variant (also known as c.7057T>C), located in coding exon 43 of the DNAH11 gene, results from a T to C substitution at nucleotide position 7057. The tyrosine at codon 2353 is replaced by histidine, an amino acid with similar properties. This amino acid position is highly conserved in available vertebrate species. In addition, this alteration is predicted to be tolerated by in silico analysis. Since supporting evidence is limited at this time, the clinical significance of this alteration remains unclear.

NM_001277115.2(DNAH11):c.7057T>C (p.Tyr2353His)

Gene: DNAH11 (dynein axonemal heavy chain 11; plus strand). Cytogenetic location: 7p15.3.
Variant type: single nucleotide variant.
Coding change: c.7057T>C on transcript NM_001277115.2 (MANE Select); coding-DNA position 7057, T replaced by C.
Protein change: p.Tyr2353His; replaces tyrosine 2353 with histidine.
Molecular consequence: missense variant.
Genome position (GRCh38, 1-based): chr7:21,717,848, T>C. VCF-style: chr7-21717848-T-C. GRCh37 (hg19) VCF-style: chr7-21757466-T-C.
Other names: c.7078T>C, p.Tyr2360His (NM_003777.3); short protein forms Y2353H, Y2360H.
Identifiers: ClinVar variation 1756905 (VCV001756905.5), dbSNP rs2535009022, ClinGen allele CA366943370.